The following is an entry in ClinVar:

NM_005515.4(MNX1):c.1007C>T (p.Pro336Leu)

Gene: MNX1 (motor neuron and pancreas homeobox 1; minus strand). Cytogenetic location: 7q36.3.
Variant type: single nucleotide variant.
Coding change: c.1007C>T on transcript NM_005515.4 (MANE Select); coding-DNA position 1007, C replaced by T.
Protein change: p.Pro336Leu; replaces proline 336 with leucine.
Molecular consequence: missense variant.
Genome position (GRCh38, 1-based): chr7:157,005,719, G>A on the plus strand (C>T on the coding strand, the complement: MNX1 is on the minus strand). VCF-style: chr7-157005719-G-A. GRCh37 (hg19) VCF-style: chr7-156798413-G-A.
Other names: c.371C>T, p.Pro124Leu (NM_001165255.2); short protein forms P336L, P124L.
Identifiers: ClinVar variation 1355122 (VCV001355122.8), dbSNP rs747580964, ClinGen allele CA4589135.

ClinVar aggregate classification (germline): Uncertain significance (1 of 4 stars; one submission).

Allele frequency attached by ClinVar (database versions not stated): gnomAD exomes 0.00001 and 0.00002; ExAC 0.00002.

Submission:

Labcorp Genetics (formerly Invitae), Labcorp
Classification: Uncertain significance. Last evaluated: 2025-09-21. Review status: criteria provided, single submitter. Criteria: Invitae Variant Classification Sherloc (09022015). Collection method: clinical testing. Allele origin: germline.
Comment: This sequence change replaces proline, which is neutral and non-polar, with leucine, which is neutral and non-polar, at codon 336 of the MNX1 protein (p.Pro336Leu). This variant is present in population databases (rs747580964, gnomAD 0.02%). This variant has not been reported in the literature in individuals affected with MNX1-related conditions. ClinVar contains an entry for this variant (Variation ID: 1355122). Invitae Evidence Modeling of protein sequence and biophysical properties (such as structural, functional, and spatial information, amino acid conservation, physicochemical variation, residue mobility, and thermodynamic stability) indicates that this missense variant is not expected to disrupt MNX1 protein function with a negative predictive value of 80%. In summary, the available evidence is currently insufficient to determine the role of this variant in disease. Therefore, it has been classified as a Variant of Uncertain Significance.